The following is an entry in ClinVar:

ClinVar aggregate classification (germline): Benign (1 of 4 stars; one submission).

Conditions:
Atypical hemolytic-uremic syndrome with thrombomodulin anomaly. Also called: HEMOLYTIC UREMIC SYNDROME, ATYPICAL, SUSCEPTIBILITY TO, 6; AHUS, SUSCEPTIBILITY TO, 6. Identifiers: MedGen C2752036, MONDO:0013044, OMIM 612926. Disease mechanism: gain of function.

Allele frequency attached by ClinVar (database versions not stated): gnomAD exomes 0.00245; gnomAD 0.00436 and 0.00453; 1000 Genomes Project 0.00140; TOPMed 0.00451; 1000 Genomes Project 30x 0.00172.
gnomAD v4.1: 667 of 152,750 alleles (0.44%); highest among the groups gnomAD compares: Non-Finnish European, 0.75%; 1 homozygote.

Submission:

Illumina Laboratory Services, Illumina
Classification: Benign for Atypical hemolytic-uremic syndrome with thrombomodulin anomaly. Last evaluated: 2018-01-12. Review status: criteria provided, single submitter. Criteria: ICSL Variant Classification Criteria 13 December 2019. Collection method: clinical testing. Allele origin: germline.
Comment: This variant was observed in the ICSL laboratory as part of a predisposition screen in an ostensibly healthy population. It had not been previously curated by ICSL or reported in the Human Gene Mutation Database (HGMD: prior to June 1st, 2018), and was therefore a candidate for classification through an automated scoring system. Utilizing variant allele frequency, disease prevalence and penetrance estimates, and inheritance mode, an automated score was calculated to assess if this variant is too frequent to cause the disease. Based on the score and internal cut-off values, a variant classified as benign is not then subjected to further curation. The score for this variant resulted in a classification of benign for this disease.

NM_000361.3(THBD):c.*1562G>T

Gene: THBD (thrombomodulin; minus strand). Cytogenetic location: 20p11.21.
Variant type: single nucleotide variant.
Coding change: c.*1562G>T on transcript NM_000361.3 (MANE Select); 1562 bases downstream of the stop codon, G replaced by T.
Molecular consequence: 3 prime UTR variant.
Genome position (GRCh38, 1-based): chr20:23,046,215, C>A on the plus strand (G>T on the coding strand, the complement: THBD is on the minus strand). VCF-style: chr20-23046215-C-A. GRCh37 (hg19) VCF-style: chr20-23026852-C-A.
Identifiers: ClinVar variation 337856 (VCV000337856.5), dbSNP rs183647515, ClinGen allele CA10649415.
Genomic context (GRCh38, chr20:23,046,215, plus strand): 5'-GATACATTTATTTCCATACACTGAAGCAGGATTTCATTCCTAGCTTAGCTGAACCAAAGA[C>A]CTTGCAGACCCTGTGTGGCAGTGTCTAGAGCTGTGTACCTAGCCTTTTCTACCAAAGAGC-3'